The following is an entry in ClinVar:

NM_001754.5(RUNX1):c.1135A>G (p.Thr379Ala)

Gene: RUNX1 (RUNX family transcription factor 1; minus strand). Cytogenetic location: 21q22.12.
Variant type: single nucleotide variant.
Coding change: c.1135A>G on transcript NM_001754.5 (MANE Select); coding-DNA position 1135, A replaced by G.
Protein change: p.Thr379Ala; replaces threonine 379 with alanine.
Molecular consequence: missense variant.
Genome position (GRCh38, 1-based): chr21:34,792,443, T>C on the plus strand (A>G on the coding strand, the complement: RUNX1 is on the minus strand). VCF-style: chr21-34792443-T-C. GRCh37 (hg19) VCF-style: chr21-36164740-T-C.
Other names: NM_001754.5(RUNX1):c.1135A>G; p.Thr379Ala; c.1054A>G, p.Thr352Ala (NM_001001890.3); short protein forms T352A, T379A.
Identifiers: ClinVar variation 3651897 (VCV003651897.3).

ClinVar aggregate classification (germline): Uncertain significance. Review status: reviewed by expert panel (3 of 4 stars). 2 submissions from 2 submitters: Uncertain significance (1). 1 of the submissions does not count toward it. Last evaluated 2025-05-02.

Conditions:
Hereditary thrombocytopenia and hematological cancer predisposition syndrome associated with RUNX1. Also called: Familial Platelet Disorder with Propensity to Acute Myelogenous Leukemia; Familial thrombocytopenia with propensity to acute myelogenous leukemia; PLATELET DISORDER, ASPIRIN-LIKE; RUNX1 Familial Platelet Disorder with Associated Myeloid Malignancies. Identifiers: Orphanet 71290, MedGen C1832388, MeSH C563324, MONDO:0100083, OMIM 601399.
Hereditary thrombocytopenia and hematologic cancer predisposition syndrome. Identifiers: Orphanet 71290, MedGen CN281654, MONDO:0011071.

gnomAD v4.1: 12 of 1,574,500 alleles (0.00076%); highest among the groups gnomAD compares: Non-Finnish European, 0.001%; no homozygotes.

Submissions (2):

ClinGen Myeloid Malignancy Variant Curation Expert Panel
Classification: Uncertain significance for Hereditary thrombocytopenia and hematologic cancer predisposition syndrome. Last evaluated: 2025-05-02. Review status: reviewed by expert panel. Criteria: ClinGen MyeloMalig ACMG Specifications v2. Collection method: curation. Allele origin: germline. Inheritance: Autosomal dominant inheritance.
Comment: NM_001754.5(RUNX1):c.1135A>G (p.Thr379Ala) is a missense variant which is located outside of the Runt Homology Domain and is completely absent from all general population databases in gnomAD v3 (PM2_Supporting). It has not been reported in the literature, and functional evidence is not available. Although the REVEL score is high, it does not meet the ≥ 0.88 threshold for applying PP3. In summary, the clinical significance of this variant is uncertain. ACMG/AMP criteria applied, as specified by the Myeloid Malignancy Variant Curation Expert Panel for RUNX1: PM2_Supporting.

Labcorp Genetics (formerly Invitae), Labcorp
Classification: Uncertain significance for Hereditary thrombocytopenia and hematological cancer predisposition syndrome associated with RUNX1. Last evaluated: 2024-05-02. Review status: criteria provided, single submitter. Criteria: Invitae Variant Classification Sherloc (09022015). Collection method: clinical testing. Allele origin: germline. Not counted in ClinVar's aggregate classification.
Comment: This sequence change replaces threonine, which is neutral and polar, with alanine, which is neutral and non-polar, at codon 379 of the RUNX1 protein (p.Thr379Ala). This variant is not present in population databases (gnomAD no frequency). This variant has not been reported in the literature in individuals affected with RUNX1-related conditions. Advanced modeling of protein sequence and biophysical properties (such as structural, functional, and spatial information, amino acid conservation, physicochemical variation, residue mobility, and thermodynamic stability) performed at Invitae indicates that this missense variant is not expected to disrupt RUNX1 protein function with a negative predictive value of 80%. In summary, the available evidence is currently insufficient to determine the role of this variant in disease. Therefore, it has been classified as a Variant of Uncertain Significance.